The following is an entry in ClinVar:

NM_198904.4(GABRG2):c.1268C>T (p.Ala423Val)

Gene: GABRG2 (gamma-aminobutyric acid type A receptor subunit gamma2; plus strand). Cytogenetic location: 5q34.
Variant type: single nucleotide variant.
Coding change: c.1268C>T on transcript NM_198904.4 (MANE Select); coding-DNA position 1268, C replaced by T.
Protein change: p.Ala423Val; replaces alanine 423 with valine.
Molecular consequence: missense variant. On other transcripts: 3 prime UTR variant (1).
Genome position (GRCh38, 1-based): chr5:162,153,208, C>T. VCF-style: chr5-162153208-C-T. GRCh37 (hg19) VCF-style: chr5-161580214-C-T.
Other names: c.1244C>T, p.Ala415Val (NM_000816.3); c.1259C>T, p.Ala420Val (NM_001375339.1); c.*102C>T (NM_001375340.1); c.1265C>T, p.Ala422Val (NM_001375341.1); c.1241C>T, p.Ala414Val (NM_001375342.1); c.1364C>T, p.Ala455Val (NM_001375343.1); c.1307C>T, p.Ala436Val (NM_001375344.1); c.1178C>T, p.Ala393Val (NM_001375345.1); and 6 more; short protein forms A283V, A436V, A463V, A394V, A415V, A420V, A455V, A401V.
Identifiers: ClinVar variation 2121130 (VCV002121130.4), dbSNP rs2532775171, ClinGen allele CA362183602.

ClinVar aggregate classification (germline): Uncertain significance (1 of 4 stars; one submission).

Conditions:
EPILEPSY, CHILDHOOD ABSENCE, SUSCEPTIBILITY TO, 2 (ECA2). Identifiers: Orphanet 64280, MedGen C1843244, OMIM 607681.
Febrile seizures, familial, 8 (FEB8). Also called: CONVULSIONS, FAMILIAL FEBRILE, 8. Identifiers: Orphanet 36387, MedGen C1969810, MONDO:0011891, OMIM 607681.

Submission:

Labcorp Genetics (formerly Invitae), Labcorp
Classification: Uncertain significance for Febrile seizures, familial, 8; EPILEPSY, CHILDHOOD ABSENCE, SUSCEPTIBILITY TO, 2. Last evaluated: 2022-04-03. Review status: criteria provided, single submitter. Criteria: Invitae Variant Classification Sherloc (09022015). Collection method: clinical testing. Allele origin: germline.
Comment: This sequence change replaces alanine, which is neutral and non-polar, with valine, which is neutral and non-polar, at codon 415 of the GABRG2 protein (p.Ala415Val). This variant is not present in population databases (gnomAD no frequency). This variant has not been reported in the literature in individuals affected with GABRG2-related conditions. Advanced modeling of protein sequence and biophysical properties (such as structural, functional, and spatial information, amino acid conservation, physicochemical variation, residue mobility, and thermodynamic stability) performed at Invitae indicates that this missense variant is not expected to disrupt GABRG2 protein function. In summary, the available evidence is currently insufficient to determine the role of this variant in disease. Therefore, it has been classified as a Variant of Uncertain Significance.